The following is an entry in ClinVar:

ClinVar aggregate classification (germline): Conflicting classifications of pathogenicity. Review status: criteria provided, conflicting classifications (1 of 4 stars). 2 submissions from 2 submitters: Uncertain significance (1); Likely benign (1). Last evaluated 2025-05-03.

Conditions:
Hereditary cancer-predisposing syndrome. Also called: Tumor predisposition; Hereditary neoplastic syndrome; Neoplastic Syndromes, Hereditary; Hereditary Cancer Syndrome. Identifiers: Orphanet 140162, MedGen C0027672, MeSH D009386, MONDO:0015356.
Multiple endocrine neoplasia, type 2 (MEN2). Identifiers: Orphanet 653, MedGen C4048306, MONDO:0019003. Disease mechanism: gain of function.

Submissions (2):

Ambry Genetics
Classification: Uncertain significance for Hereditary cancer-predisposing syndrome. Last evaluated: 2025-05-03. Review status: criteria provided, single submitter. Criteria: Ambry Variant Classification Scheme 2023. Collection method: clinical testing. Allele origin: germline.
Comment: The c.2340G>A variant (also known as p.K780K), located in coding exon 13 of the RET gene, results from a G to A substitution at nucleotide position 2340. This nucleotide substitution does not change the lysine at codon 780. This nucleotide position is not well conserved in available vertebrate species. In silico splice site analysis for this alteration is inconclusive. Based on the available evidence, the clinical significance of this variant remains unclear.

Labcorp Genetics (formerly Invitae), Labcorp
Classification: Likely benign for Multiple endocrine neoplasia, type 2. Last evaluated: 2024-08-13. Review status: criteria provided, single submitter. Criteria: Invitae Variant Classification Sherloc (09022015). Collection method: clinical testing. Allele origin: germline.

NM_020975.6(RET):c.2340G>A (p.Lys780=)

Gene: RET (ret proto-oncogene; plus strand). Cytogenetic location: 10q11.21.
Variant type: single nucleotide variant.
Coding change: c.2340G>A on transcript NM_020975.6 (MANE Select); coding-DNA position 2340, G replaced by A.
Protein change: p.Lys780=; no amino-acid change (lysine 780 retained).
Molecular consequence: synonymous variant.
Genome position (GRCh38, 1-based): chr10:43,118,428, G>A. VCF-style: chr10-43118428-G-A. GRCh37 (hg19) VCF-style: chr10-43613876-G-A.
Other names: c.2340G>A, p.Lys780= (NM_000323.2, NM_001406743.1, NM_001406744.1 and 4 more transcripts); c.1578G>A, p.Lys526= (NM_001355216.2); c.2211G>A, p.Lys737= (NM_001406761.1, NM_001406762.1, NM_001406764.1); c.2205G>A, p.Lys735= (NM_001406763.1, NM_001406765.1); c.2052G>A, p.Lys684= (NM_001406766.1, NM_001406767.1, NM_001406770.1); c.2076G>A, p.Lys692= (NM_001406768.1); c.1944G>A, p.Lys648= (NM_001406769.1, NM_001406772.1); c.1902G>A, p.Lys634= (NM_001406771.1, NM_001406773.1); and 10 more.
Identifiers: ClinVar variation 749904 (VCV000749904.11), dbSNP rs1588876500, ClinGen allele CA469028157.